The following is an entry in ClinVar:

NM_001371279.1(REEP1):c.*965G>A

Gene: REEP1 (receptor accessory protein 1; minus strand). Cytogenetic location: 2p11.2.
Variant type: single nucleotide variant.
Coding change: c.*965G>A on transcript NM_001371279.1 (MANE Select); 965 bases downstream of the stop codon, G replaced by A.
Molecular consequence: 3 prime UTR variant.
Genome position (GRCh38, 1-based): chr2:86,216,074, C>T on the plus strand (G>A on the coding strand, the complement: REEP1 is on the minus strand). VCF-style: chr2-86216074-C-T. GRCh37 (hg19) VCF-style: chr2-86443197-C-T.
Other names: c.*1026G>A (NM_001164730.2, NM_001164731.2, NM_022912.3); c.*965G>A (NM_001164732.2, NM_001371280.1).
Identifiers: ClinVar variation 337377 (VCV000337377.7), dbSNP rs76860896, ClinGen allele CA10616264.

ClinVar aggregate classification (germline): Likely benign. Review status: criteria provided, multiple submitters, no conflicts (2 of 4 stars). 3 submissions from 3 submitters: Likely benign (3). Last evaluated 2021-12-01.

Conditions:
Hereditary spastic paraplegia 31. Also called: SPASTIC PARAPLEGIA 31, AUTOSOMAL DOMINANT. Identifiers: Orphanet 101011, MedGen C1853247, MONDO:0012453, OMIM 610250.

Allele frequency attached by ClinVar (database versions not stated): gnomAD 0.00941 and 0.01007; TOPMed 0.01086; 1000 Genomes Project 0.01178.

Submissions (3):

GeneDx
Classification: Likely benign. Last evaluated: 2021-12-01. Review status: criteria provided, single submitter. Criteria: GeneDx Variant Classification Process June 2021. Collection method: clinical testing. Allele origin: germline. Affected: yes.
Comment: See Variant Classification Assertion Criteria.

Illumina Laboratory Services, Illumina
Classification: Likely benign for Hereditary spastic paraplegia 31. Last evaluated: 2017-04-27. Review status: criteria provided, single submitter. Criteria: ICSL Variant Classification Criteria 13 December 2019. Collection method: clinical testing. Allele origin: germline.
Comment: This variant was observed as part of a predisposition screen in an ostensibly healthy population. A literature search was performed for the gene, cDNA change, and amino acid change (where applicable). No publications were found based on this search. Allele frequency data from public databases allowed determination this variant is unlikely to cause disease. Therefore, this variant is classified as likely benign.

Breakthrough Genomics
Classification: Likely benign. Review status: criteria provided, single submitter. Criteria: ACMG Guidelines, 2015. Collection method: not provided. Allele origin: germline. Inheritance: Autosomal recessive inheritance. Affected: yes.